The following is an entry in ClinVar:

ClinVar aggregate classification (germline): Conflicting classifications of pathogenicity. Review status: criteria provided, conflicting classifications (1 of 4 stars). 2 submissions from 2 submitters: Uncertain significance (1); Likely benign (1). Last evaluated 2025-01-06.

Conditions:
Inborn genetic diseases. Identifiers: MedGen C0950123, MeSH D030342.

Allele frequency attached by ClinVar (database versions not stated): TOPMed below 0.00001; gnomAD 0.00001; gnomAD exomes 0.00001; ExAC 0.00002.
gnomAD v4.1: 21 of 1,612,500 alleles (0.0013%); highest among the groups gnomAD compares: Non-Finnish European, 0.0018%; no homozygotes.

Submissions (2):

Labcorp Genetics (formerly Invitae), Labcorp
Classification: Uncertain significance. Last evaluated: 2025-01-06. Review status: criteria provided, single submitter. Criteria: Invitae Variant Classification Sherloc (09022015). Collection method: clinical testing. Allele origin: germline.
Comment: This sequence change replaces glutamic acid, which is acidic and polar, with aspartic acid, which is acidic and polar, at codon 1086 of the ADNP protein (p.Glu1086Asp). The frequency data for this variant in the population databases is considered unreliable, as metrics indicate poor data quality at this position in the gnomAD database. This variant has not been reported in the literature in individuals affected with ADNP-related conditions. ClinVar contains an entry for this variant (Variation ID: 1729487). An algorithm developed to predict the effect of missense changes on protein structure and function outputs the following: PolyPhen-2: "Benign". The aspartic acid amino acid residue is found in multiple mammalian species, which suggests that this missense change does not adversely affect protein function. In summary, the available evidence is currently insufficient to determine the role of this variant in disease. Therefore, it has been classified as a Variant of Uncertain Significance.

Ambry Genetics
Classification: Likely benign for Inborn genetic diseases. Last evaluated: 2019-07-02. Review status: criteria provided, single submitter. Criteria: Ambry Variant Classification Scheme 2023. Collection method: clinical testing. Allele origin: germline.

NM_001282531.3(ADNP):c.3258G>T (p.Glu1086Asp)

Gene: ADNP (activity dependent neuroprotector homeobox; minus strand). Cytogenetic location: 20q13.13.
Variant type: single nucleotide variant.
Coding change: c.3258G>T on transcript NM_001282531.3 (MANE Select); coding-DNA position 3258, G replaced by T.
Protein change: p.Glu1086Asp; replaces glutamic acid 1086 with aspartic acid.
Molecular consequence: missense variant.
Genome position (GRCh38, 1-based): chr20:50,891,456, C>A on the plus strand (G>T on the coding strand, the complement: ADNP is on the minus strand). VCF-style: chr20-50891456-C-A. GRCh37 (hg19) VCF-style: chr20-49507993-C-A.
Other names: c.3258G>T, p.Glu1086Asp (NM_001282532.2, NM_001347511.2, NM_015339.5 and 1 more transcripts); short protein forms E1086D.
Identifiers: ClinVar variation 1729487 (VCV001729487.4), dbSNP rs774543782, ClinGen allele CA9908422.
Genomic context (GRCh38, chr20:50,891,456, plus strand): 5'-ACCTGGCACTTAGGCCTGTTGGCTGCTCAGTTTAACTCCGGCTAAGCTGCCATGCATGGG[C>A]TCAGCTACTCCATCAGTCATGTTGTCAAACTGTTCCCCATCCTCACTGTCAATTGTGCTA-3'
Protein context (NP_001269460.1, residues 1076-1096): QFDNMTDGVA[Glu1086Asp]PMHGSLAGVK